The following is an entry in ClinVar:

ClinVar aggregate classification (germline): Likely benign. Review status: criteria provided, multiple submitters, no conflicts (2 of 4 stars). 3 submissions from 3 submitters: Likely benign (3). Last evaluated 2025-01-28.

Conditions:
RP1-related disorder. Also called: RP1-related condition.

Allele frequency attached by ClinVar (database versions not stated): TOPMed 0.00001; gnomAD 0.00002; gnomAD exomes 0.00004 and 0.00006; ExAC 0.00011.
gnomAD v4.1: 59 of 1,614,044 alleles (0.0037%); highest among the groups gnomAD compares: Non-Finnish European, 0.0048%; no homozygotes.

Submissions (3):

PreventionGenetics, part of Exact Sciences
Classification: Likely benign for RP1-related condition. Last evaluated: 2025-01-28. Review status: criteria provided, single submitter. Criteria: ACMG Guidelines, 2015. Collection method: clinical testing. Allele origin: germline.
Comment: This variant is classified as likely benign based on ACMG/AMP sequence variant interpretation guidelines (Richards et al. 2015 PMID: 25741868, with internal and published modifications).

Blueprint Genetics
Classification: Likely benign. Last evaluated: 2024-10-23. Review status: criteria provided, single submitter. Criteria: ACMG Guidelines, 2015. Collection method: clinical testing. Allele origin: germline.

Labcorp Genetics (formerly Invitae), Labcorp
Classification: Likely benign. Last evaluated: 2022-11-19. Review status: criteria provided, single submitter. Criteria: Invitae Variant Classification Sherloc (09022015). Collection method: clinical testing. Allele origin: germline.

NM_006269.2(RP1):c.1756T>C (p.Leu586=)

Gene: RP1 (RP1 axonemal microtubule associated; plus strand). Cytogenetic location: 8q12.1.
Variant type: single nucleotide variant.
Coding change: c.1756T>C on transcript NM_006269.2 (MANE Select); coding-DNA position 1756, T replaced by C.
Protein change: p.Leu586=; no amino-acid change (leucine 586 retained).
Molecular consequence: synonymous variant. On other transcripts: intron variant (1).
Genome position (GRCh38, 1-based): chr8:54,625,638, T>C. VCF-style: chr8-54625638-T-C. GRCh37 (hg19) VCF-style: chr8-55538198-T-C.
Other names: c.1756T>C (NM_006269.1); c.787+3350T>C (NM_001375654.1).
Identifiers: ClinVar variation 1103726 (VCV001103726.11), dbSNP rs758592527, ClinGen allele CA4751430.